The following is an entry in ClinVar:

NM_020163.3(SEMA3G):c.1003G>A (p.Val335Met)

Gene: SEMA3G (semaphorin 3G; minus strand). Cytogenetic location: 3p21.1.
Variant type: single nucleotide variant.
Coding change: c.1003G>A on transcript NM_020163.3 (MANE Select); coding-DNA position 1003, G replaced by A.
Protein change: p.Val335Met; replaces valine 335 with methionine.
Molecular consequence: missense variant.
Genome position (GRCh38, 1-based): chr3:52,440,517, C>T on the plus strand (G>A on the coding strand, the complement: SEMA3G is on the minus strand). VCF-style: chr3-52440517-C-T. GRCh37 (hg19) VCF-style: chr3-52474533-C-T.
Other names: c.1003G>A (NM_020163.1); short protein forms V335M.
Identifiers: ClinVar variation 3351309 (VCV003351309.2).
Genomic context (GRCh38, chr3:52,440,517, plus strand): 5'-CGTTGAAAACCTCCCAGATGTCTGCCATGTGGTACACACAGACGGCGAAGCCCTGGAACA[C>T]GGCACTGCCGGGGCACATGGGACAGTCAGGCCAGAGTGGCCATCAAGGACAAGAAGGGAA-3'
Protein context (NP_064548.1, residues 325-345): VYALFSTVSA[Val335Met]FQGFAVCVYH

ClinVar aggregate classification (germline): Uncertain significance. Review status: criteria provided, single submitter (1 of 4 stars). 2 submissions from 2 submitters: Uncertain significance (1). 1 of the submissions does not count toward it. Last evaluated 2024-08-01.

Conditions:
SEMA3G-related disorder. Also called: SEMA3G-related condition.

gnomAD v4.1: 39 of 1,607,636 alleles (0.0024%); highest among the groups gnomAD compares: Middle Eastern, 0.017%; no homozygotes.

Submissions (2):

Ambry Genetics
Classification: Uncertain significance. Last evaluated: 2024-08-01. Review status: criteria provided, single submitter. Criteria: Ambry Variant Classification Scheme 2023. Collection method: clinical testing. Allele origin: germline.

PreventionGenetics, part of Exact Sciences
Classification: Uncertain significance for SEMA3G-related condition. Last evaluated: 2024-03-15. Review status: no assertion criteria provided. Collection method: clinical testing. Allele origin: germline. Not counted in ClinVar's aggregate classification.
Comment: The SEMA3G c.1003G>A variant is predicted to result in the amino acid substitution p.Val335Met. To our knowledge, this variant has not been reported in the literature. This variant is reported in 0.023% of alleles in individuals of Latino descent in gnomAD. At this time, the clinical significance of this variant is uncertain due to the absence of conclusive functional and genetic evidence.